The following is an entry in ClinVar:

ClinVar aggregate classification (germline): Uncertain significance (1 of 4 stars; one submission).

Conditions:
Inborn genetic diseases. Identifiers: MedGen C0950123, MeSH D030342.

gnomAD v4.1: 1 of 1,569,616 alleles (0.000064%); no homozygotes.

Submission:

Ambry Genetics
Classification: Uncertain significance for Inborn genetic diseases. Last evaluated: 2025-08-15. Review status: criteria provided, single submitter. Criteria: Ambry Variant Classification Scheme 2023. Collection method: clinical testing. Allele origin: germline.
Comment: The p.G1201S variant (also known as c.3601G>A), located in coding exon 33 of the RTEL1 gene, results from a G to A substitution at nucleotide position 3601. The glycine at codon 1201 is replaced by serine, an amino acid with similar properties. This amino acid position is conserved. In addition, this alteration is predicted to be tolerated by in silico analysis. Based on the available evidence, the clinical significance of this variant remains unclear.

NM_001283009.2(RTEL1):c.3601G>A (p.Gly1201Ser)

Genes: RTEL1 (regulator of telomere elongation helicase 1; plus strand), RTEL1-TNFRSF6B (RTEL1-TNFRSF6B readthrough (NMD candidate); plus strand). Cytogenetic location: 20q13.33.
Variant type: single nucleotide variant.
Coding change: c.3601G>A on transcript NM_001283009.2 (MANE Select); coding-DNA position 3601, G replaced by A.
Protein change: p.Gly1201Ser; replaces glycine 1201 with serine.
Molecular consequence: missense variant. On other transcripts: non-coding transcript variant (1).
Genome position (GRCh38, 1-based): chr20:63,695,429, G>A. VCF-style: chr20-63695429-G-A. GRCh37 (hg19) VCF-style: chr20-62326782-G-A.
Other names: c.2932G>A, p.Gly978Ser (NM_001283010.1); c.3601G>A, p.Gly1201Ser (NM_016434.4); c.3673G>A, p.Gly1225Ser (NM_032957.5); short protein forms G1225S, G1201S, G978S.
Identifiers: ClinVar variation 4157670 (VCV004157670.1).